The following is an entry in ClinVar:

NM_002471.4(MYH6):c.713G>A (p.Arg238Gln)

Gene: MYH6 (myosin heavy chain 6; minus strand). Cytogenetic location: 14q11.2.
Variant type: single nucleotide variant.
Coding change: c.713G>A on transcript NM_002471.4 (MANE Select); coding-DNA position 713, G replaced by A.
Protein change: p.Arg238Gln; replaces arginine 238 with glutamine.
Molecular consequence: missense variant.
Genome position (GRCh38, 1-based): chr14:23,404,318, C>T on the plus strand (G>A on the coding strand, the complement: MYH6 is on the minus strand). VCF-style: chr14-23404318-C-T. GRCh37 (hg19) VCF-style: chr14-23873527-C-T.
Other names: c.713G>A (NM_002471.3); short protein forms R238Q.
Identifiers: ClinVar variation 1502597 (VCV001502597.9), dbSNP rs556235994, ClinGen allele CA7116059.

ClinVar aggregate classification (germline): Uncertain significance. Review status: criteria provided, multiple submitters, no conflicts (2 of 4 stars). 2 submissions from 2 submitters: Uncertain significance (2). Last evaluated 2024-11-04.

Conditions:
Hypertrophic cardiomyopathy 14. Identifiers: MedGen C2750467, MONDO:0013197, OMIM 613251.

Allele frequency attached by ClinVar (database versions not stated): TOPMed below 0.00001; gnomAD 0.00001; gnomAD exomes 0.00001 and 0.00002; ExAC 0.00002; 1000 Genomes Project 30x 0.00016; 1000 Genomes Project 0.00020.
gnomAD v4.1: 22 of 1,614,224 alleles (0.0014%); highest among the groups gnomAD compares: East Asian, 0.011%; no homozygotes.

Submissions (2):

Revvity Omics, Revvity
Classification: Uncertain significance. Last evaluated: 2024-11-04. Review status: criteria provided, single submitter. Criteria: ACMG Guidelines, 2015. Collection method: clinical testing. Allele origin: germline.

Labcorp Genetics (formerly Invitae), Labcorp
Classification: Uncertain significance for Hypertrophic cardiomyopathy 14. Last evaluated: 2021-04-14. Review status: criteria provided, single submitter. Criteria: Invitae Variant Classification Sherloc (09022015). Collection method: clinical testing. Allele origin: germline.
Comment: This variant is present in population databases (rs556235994, ExAC 0.01%). This variant has not been reported in the literature in individuals with MYH6-related conditions. Algorithms developed to predict the effect of missense changes on protein structure and function are either unavailable or do not agree on the potential impact of this missense change (SIFT: "Deleterious"; PolyPhen-2: "Probably Damaging"; Align-GVGD: "Class C0"). In summary, the available evidence is currently insufficient to determine the role of this variant in disease. Therefore, it has been classified as a Variant of Uncertain Significance. This sequence change replaces arginine with glutamine at codon 238 of the MYH6 protein (p.Arg238Gln). The arginine residue is weakly conserved and there is a small physicochemical difference between arginine and glutamine.